The following is an entry in ClinVar:

ClinVar aggregate classification (germline): Uncertain significance. Review status: criteria provided, multiple submitters, no conflicts (2 of 4 stars). 2 submissions from 2 submitters: Uncertain significance (2). Last evaluated 2022-04-08.

Conditions:
Hereditary cancer-predisposing syndrome. Also called: Neoplastic Syndromes, Hereditary; Tumor predisposition; Hereditary Cancer Syndrome; Hereditary neoplastic syndrome. Identifiers: Orphanet 140162, MedGen C0027672, MeSH D009386, MONDO:0015356.
Breast-ovarian cancer, familial, susceptibility to, 2 (BROVCA2). Also called: BRCA2 Hereditary Breast and Ovarian Cancer. Identifiers: Orphanet 145, MedGen C2675520, MONDO:0012933, OMIM 612555. Disease mechanism: loss of function.
Familial cancer of breast. Also called: BREAST CANCER, FAMILIAL; Hereditary breast cancer; hereditary breast carcinoma. Identifiers: Orphanet 227535, MedGen C0346153, MONDO:0016419, OMIM 114480. Disease mechanism: loss of function.

Submissions (2):

Department of Pathology and Laboratory Medicine, Sinai Health System
Classification: Uncertain significance for Familial cancer of breast; Breast-ovarian cancer, familial, susceptibility to, 2. Last evaluated: 2022-04-08. Review status: criteria provided, single submitter. Criteria: ACMG Guidelines, 2015. Collection method: clinical testing. Allele origin: germline. Affected: yes.

Ambry Genetics
Classification: Uncertain significance for Hereditary cancer-predisposing syndrome. Last evaluated: 2021-12-11. Review status: criteria provided, single submitter. Criteria: Ambry Variant Classification Scheme 2023. Collection method: clinical testing. Allele origin: germline.
Comment: The p.K3383T variant (also known as c.10148A>C), located in coding exon 26 of the BRCA2 gene, results from an A to C substitution at nucleotide position 10148. The lysine at codon 3383 is replaced by threonine, an amino acid with similar properties. This amino acid position is conserved. In addition, this alteration is predicted to be tolerated by in silico analysis. Since supporting evidence is limited at this time, the clinical significance of this alteration remains unclear.

NM_000059.4(BRCA2):c.10148A>C (p.Lys3383Thr)

Gene: BRCA2 (BRCA2 DNA repair associated; plus strand). Cytogenetic location: 13q13.1.
Variant type: single nucleotide variant.
Coding change: c.10148A>C on transcript NM_000059.4 (MANE Select); coding-DNA position 10148, A replaced by C.
Protein change: p.Lys3383Thr; replaces lysine 3383 with threonine.
Molecular consequence: missense variant.
Genome position (GRCh38, 1-based): chr13:32,398,661, A>C. VCF-style: chr13-32398661-A-C. GRCh37 (hg19) VCF-style: chr13-32972798-A-C.
Other names: c.10052A>C, p.Lys3351Thr (NM_001406719.1); c.10097A>C, p.Lys3366Thr (NM_001406720.1); c.5216A>C, p.Lys1739Thr (NM_001406721.1); c.3731A>C, p.Lys1244Thr (NM_001406722.1); short protein forms K1244T, K3383T, K1739T, K3366T, K3351T.
Identifiers: ClinVar variation 1738147 (VCV001738147.3), dbSNP rs876659246, ClinGen allele CA387768155.
Genomic context (GRCh38, chr13:32,398,661, plus strand): 5'-TATCTGTCAGTGAATCCACTAGGACTGCTCCCACCAGTTCAGAAGATTATCTCAGACTGA[A>C]ACGACGTTGTACTACATCTCTGATCAAAGAACAGGAGAGTTCCCAGGCCAGTACGGAAGA-3'
Protein context (NP_000050.3, residues 3373-3393): PTSSEDYLRL[Lys3383Thr]RRCTTSLIKE